The following is an entry in ClinVar:

NM_001267550.2(TTN):c.56943G>A (p.Ala18981=)

Genes: TTN-AS1 (TTN antisense RNA 1; plus strand), TTN (titin; minus strand). Cytogenetic location: 2q31.2.
Variant type: single nucleotide variant.
Coding change: c.56943G>A on transcript NM_001267550.2 (MANE Select); coding-DNA position 56943, G replaced by A.
Protein change: p.Ala18981=; no amino-acid change (alanine 18981 retained).
Molecular consequence: synonymous variant.
Genome position (GRCh38, 1-based): chr2:178,598,767, C>T on the plus strand (G>A on the coding strand, the complement: TTN is on the minus strand). VCF-style: chr2-178598767-C-T. GRCh37 (hg19) VCF-style: chr2-179463494-C-T.
Other names: c.52020G>A, p.Ala17340= (NM_001256850.1); c.29748G>A, p.Ala9916= (NM_003319.4); c.49239G>A, p.Ala16413= (NM_133378.4); c.30123G>A, p.Ala10041= (NM_133432.3); c.30324G>A, p.Ala10108= (NM_133437.4).
Identifiers: ClinVar variation 288519 (VCV000288519.25), dbSNP rs370998052, ClinGen allele CA1993152.

ClinVar aggregate classification (germline): Conflicting classifications of pathogenicity. Review status: criteria provided, conflicting classifications (1 of 4 stars). 10 submissions from 6 submitters: Uncertain significance (4); Benign (2); Likely benign (4). Last evaluated 2026-01-27.

Conditions:
Dilated cardiomyopathy 1G (CMD1G). Identifiers: Orphanet 154, MedGen C1858763, MONDO:0011400, OMIM 604145.
Autosomal recessive limb-girdle muscular dystrophy type 2J (LGMDR10). Also called: Limb-girdle muscular dystrophy, type 2J; MUSCULAR DYSTROPHY, LIMB-GIRDLE, AUTOSOMAL RECESSIVE 10. Identifiers: Orphanet 140922, MedGen C1837342, MONDO:0012127, OMIM 608807.
Cardiovascular phenotype. Identifiers: MedGen CN230736.
Early-onset myopathy with fatal cardiomyopathy (CMYO5). Also called: Salih Myopathy; CONGENITAL MYOPATHY 5 WITH CARDIOMYOPATHY. Identifiers: Orphanet 289377, MedGen C2673677, MONDO:0012714, OMIM 611705. Disease mechanism: loss of function.
Myopathy, myofibrillar, 9, with early respiratory failure (MFM9). Also called: EDSTROM MYOPATHY; Hereditary myopathy with early respiratory failure; MYOPATHY, PROXIMAL, WITH EARLY RESPIRATORY MUSCLE INVOLVEMENT; Myopathy, distal, with early respiratory failure, autosomal dominant. Identifiers: Orphanet 178464, Orphanet 34521, MedGen C1863599, MONDO:0011362, OMIM 603689.
Tibial muscular dystrophy (TMD). Also called: Udd Distal Myopathy – Tibial Muscular Dystrophy; Tibial muscular dystrophy, tardive; UDD MYOPATHY. Identifiers: Orphanet 609, MedGen C1838244, MONDO:0010870, OMIM 600334.

Allele frequency attached by ClinVar (database versions not stated): TOPMed 0.00003; ExAC 0.00004; gnomAD 0.00006; ESP Exome Variant Server 0.00008; 1000 Genomes Project 30x 0.00016; 1000 Genomes Project 0.00020.
gnomAD v4.1: 33 of 1,613,154 alleles (0.002%); highest among the groups gnomAD compares: East Asian, 0.027%; no homozygotes.

Submissions (10):

Labcorp Genetics (formerly Invitae), Labcorp
Classification: Likely benign for Dilated cardiomyopathy 1G; Autosomal recessive limb-girdle muscular dystrophy type 2J. Last evaluated: 2026-01-27. Review status: criteria provided, single submitter. Criteria: Invitae Variant Classification Sherloc (09022015). Collection method: clinical testing. Allele origin: germline.

Ambry Genetics
Classification: Likely benign for Cardiovascular phenotype. Last evaluated: 2019-11-01. Review status: criteria provided, single submitter. Criteria: Ambry Variant Classification Scheme 2023. Collection method: clinical testing. Allele origin: germline.

GeneDx
Classification: Likely benign. Last evaluated: 2019-01-09. Review status: criteria provided, single submitter. Criteria: GeneDx Variant Classification Process June 2021. Collection method: clinical testing. Allele origin: germline. Affected: yes.

Blueprint Genetics
Classification: Likely benign. Last evaluated: 2018-04-12. Review status: criteria provided, single submitter. Criteria: ACMG Guidelines, 2015. Collection method: clinical testing. Allele origin: germline.

Illumina Laboratory Services, Illumina
Classification: Benign for Myopathy, myofibrillar, 9, with early respiratory failure. Last evaluated: 2018-01-13. Review status: criteria provided, single submitter. Criteria: ICSL Variant Classification Criteria 13 December 2019. Collection method: clinical testing. Allele origin: germline.
Comment: This variant was observed in the ICSL laboratory as part of a predisposition screen in an ostensibly healthy population. It had not been previously curated by ICSL or reported in the Human Gene Mutation Database (HGMD: prior to June 1st, 2018), and was therefore a candidate for classification through an automated scoring system. Utilizing variant allele frequency, disease prevalence and penetrance estimates, and inheritance mode, an automated score was calculated to assess if this variant is too frequent to cause the disease. Based on the score and internal cut-off values, a variant classified as benign is not then subjected to further curation. The score for this variant resulted in a classification of benign for this disease.

Illumina Laboratory Services, Illumina
Classification: Uncertain significance for Dilated cardiomyopathy 1G. Last evaluated: 2018-01-13. Review status: criteria provided, single submitter. Criteria: ICSL Variant Classification Criteria 13 December 2019. Collection method: clinical testing. Allele origin: germline.

Illumina Laboratory Services, Illumina
Classification: Uncertain significance for Autosomal recessive limb-girdle muscular dystrophy type 2J. Last evaluated: 2018-01-13. Review status: criteria provided, single submitter. Criteria: ICSL Variant Classification Criteria 13 December 2019. Collection method: clinical testing. Allele origin: germline.

Illumina Laboratory Services, Illumina
Classification: Benign for Tibial muscular dystrophy. Last evaluated: 2018-01-13. Review status: criteria provided, single submitter. Criteria: ICSL Variant Classification Criteria 13 December 2019. Collection method: clinical testing. Allele origin: germline.
Comment: the same text as in the submission from Illumina Laboratory Services, Illumina above.

Illumina Laboratory Services, Illumina
Classification: Uncertain significance for Early-onset myopathy with fatal cardiomyopathy. Last evaluated: 2018-01-13. Review status: criteria provided, single submitter. Criteria: ICSL Variant Classification Criteria 13 December 2019. Collection method: clinical testing. Allele origin: germline.

Eurofins Ntd Llc (ga)
Classification: Uncertain significance. Last evaluated: 2016-06-07. Review status: criteria provided, single submitter. Criteria: EGL Classification Definitions 2015. Collection method: clinical testing. Allele origin: germline. Observed: 1 variant allele, 1 heterozygote.